The following is an entry in ClinVar:

NM_000093.5(COL5A1):c.1036T>C (p.Tyr346His)

Gene: COL5A1 (collagen type V alpha 1 chain; plus strand). Cytogenetic location: 9q34.3.
Variant type: single nucleotide variant.
Coding change: c.1036T>C on transcript NM_000093.5 (MANE Select); coding-DNA position 1036, T replaced by C.
Protein change: p.Tyr346His; replaces tyrosine 346 with histidine.
Molecular consequence: missense variant.
Genome position (GRCh38, 1-based): chr9:134,730,347, T>C. VCF-style: chr9-134730347-T-C. GRCh37 (hg19) VCF-style: chr9-137622193-T-C.
Other names: c.1036T>C, p.Tyr346His (NM_001278074.1); short protein forms Y346H.
Identifiers: ClinVar variation 3667849 (VCV003667849.2).

ClinVar aggregate classification (germline): Uncertain significance (1 of 4 stars; one submission).

Conditions:
Ehlers-Danlos syndrome, classic type, 1 (EDSCL1). Also called: EHLERS-DANLOS SYNDROME, GRAVIS TYPE; EHLERS-DANLOS SYNDROME, SEVERE CLASSIC TYPE; Ehlers-Danlos syndrome, type 1; Ehlers-Danlos Syndrome, Classic Type, COL5A1-Related; EDS I. Identifiers: MedGen C0268335, MONDO:0019567, OMIM 130000.

Submission:

Labcorp Genetics (formerly Invitae), Labcorp
Classification: Uncertain significance for Ehlers-Danlos syndrome, classic type, 1. Last evaluated: 2024-02-08. Review status: criteria provided, single submitter. Criteria: Invitae Variant Classification Sherloc (09022015). Collection method: clinical testing. Allele origin: germline.
Comment: This sequence change replaces tyrosine, which is neutral and polar, with histidine, which is basic and polar, at codon 346 of the COL5A1 protein (p.Tyr346His). This variant is not present in population databases (gnomAD no frequency). This variant has not been reported in the literature in individuals affected with COL5A1-related conditions. Advanced modeling of protein sequence and biophysical properties (such as structural, functional, and spatial information, amino acid conservation, physicochemical variation, residue mobility, and thermodynamic stability) performed at Invitae indicates that this missense variant is not expected to disrupt COL5A1 protein function with a negative predictive value of 95%. In summary, the available evidence is currently insufficient to determine the role of this variant in disease. Therefore, it has been classified as a Variant of Uncertain Significance.